The following is an entry in ClinVar:

NM_005477.3(HCN4):c.1688T>C (p.Met563Thr)

Gene: HCN4 (hyperpolarization activated cyclic nucleotide gated potassium channel 4; minus strand). Cytogenetic location: 15q24.1.
Variant type: single nucleotide variant.
Coding change: c.1688T>C on transcript NM_005477.3 (MANE Select); coding-DNA position 1688, T replaced by C.
Protein change: p.Met563Thr; replaces methionine 563 with threonine.
Molecular consequence: missense variant.
Genome position (GRCh38, 1-based): chr15:73,325,347, A>G on the plus strand (T>C on the coding strand, the complement: HCN4 is on the minus strand). VCF-style: chr15-73325347-A-G. GRCh37 (hg19) VCF-style: chr15-73617688-A-G.
Other names: c.1688T>C (NM_005477.2); short protein forms M563T.
Identifiers: ClinVar variation 2195754 (VCV002195754.5), dbSNP rs2549070142, ClinGen allele CA393091965.

ClinVar aggregate classification (germline): Uncertain significance. Review status: criteria provided, multiple submitters, no conflicts (2 of 4 stars). 2 submissions from 2 submitters: Uncertain significance (2). Last evaluated 2026-08-10.

Conditions:
Brugada syndrome 8 (BRGDA8). Identifiers: Orphanet 130, MedGen C2751083, MONDO:0013148, OMIM 613123.
Cardiovascular phenotype. Identifiers: MedGen CN230736.

Allele frequency attached by ClinVar (database versions not stated): gnomAD exomes below 0.00001.
gnomAD v4.1: 3 of 1,614,052 alleles (0.00019%); highest among the groups gnomAD compares: Non-Finnish European, 0.00025%; no homozygotes.

Submissions (2):

Ambry Genetics
Classification: Uncertain significance for Cardiovascular phenotype. Last evaluated: 2026-08-10. Review status: criteria provided, single submitter. Criteria: Ambry Variant Classification Scheme 2023. Collection method: clinical testing. Allele origin: germline.
Comment: The p.M563T variant (also known as c.1688T>C), located in coding exon 5 of the HCN4 gene, results from a T to C substitution at nucleotide position 1688. The methionine at codon 563 is replaced by threonine, an amino acid with similar properties. This amino acid position is conserved. In addition, this alteration is predicted to be deleterious by in silico analysis. Based on the available evidence, the clinical significance of this variant remains unclear.

Labcorp Genetics (formerly Invitae), Labcorp
Classification: Uncertain significance for Brugada syndrome 8. Last evaluated: 2022-06-09. Review status: criteria provided, single submitter. Criteria: Invitae Variant Classification Sherloc (09022015). Collection method: clinical testing. Allele origin: germline.
Comment: This sequence change replaces methionine, which is neutral and non-polar, with threonine, which is neutral and polar, at codon 563 of the HCN4 protein (p.Met563Thr). In summary, the available evidence is currently insufficient to determine the role of this variant in disease. Therefore, it has been classified as a Variant of Uncertain Significance. Advanced modeling of protein sequence and biophysical properties (such as structural, functional, and spatial information, amino acid conservation, physicochemical variation, residue mobility, and thermodynamic stability) performed at Invitae indicates that this missense variant is not expected to disrupt HCN4 protein function. This variant has not been reported in the literature in individuals affected with HCN4-related conditions. This variant is not present in population databases (gnomAD no frequency).